The following is an entry in ClinVar:

NM_007325.5(GRIA3):c.2038_2040delinsTGT (p.Gly680Cys)

Gene: GRIA3 (glutamate ionotropic receptor AMPA type subunit 3; plus strand). Cytogenetic location: Xq25.
Variant type: Indel.
Coding change: c.2038_2040delinsTGT on transcript NM_007325.5 (MANE Select); coding-DNA positions 2038 to 2040, GGG replaced by TGT.
Protein change: p.Gly680Cys; replaces glycine 680 with cysteine.
Molecular consequence: missense variant.
Genome position (GRCh38, 1-based): chrX:123,428,101-123,428,103, GGG replaced by TGT. VCF-style: chrX-123428101-GGG-TGT. GRCh37 (hg19) VCF-style: chrX-122561952-GGG-TGT.
Other names: p.Gly680Cys; c.2038_2040delinsTGT, p.Gly680Cys (NM_000828.5); short protein forms G680C.
Identifiers: ClinVar variation 1334442 (VCV001334442.2), dbSNP rs2147401116, ClinGen allele CA2573055091.
Genomic context (GRCh38, chrX:123,428,101, plus strand): 5'-AGGATGGTTTCTCCCATAGAGAGTGCTGAAGACTTAGCTAAACAGACTGAAATTGCATAT[GGG>TGT]ACCCTGGACTCCGGTTCAACAAAAGAATTTTTCAGAGTAAGTGCTCTGCAGTTAATTGAG-3'
Protein context (NP_015564.5, residues 670-690): DLAKQTEIAY[Gly680Cys]TLDSGSTKEF

ClinVar aggregate classification (germline): Pathogenic (1 of 4 stars; one submission).

Conditions:
Syndromic X-linked intellectual disability 94 (MRXSW). Also called: MENTAL RETARDATION, X-LINKED, SYNDROMIC 29; X-linked intellectual disability due to GRIA3 anomalies. Identifiers: Orphanet 364028, MedGen C2678051, MONDO:0010402, OMIM 300699.

Submission:

Laboratory of Human Genetics, Universidade de São Paulo
Classification: Pathogenic for Syndromic X-linked intellectual disability 94. Last evaluated: 2019-01-16. Review status: criteria provided, single submitter. Criteria: ACMG Guidelines, 2015. Collection method: research. Allele origin: de novo. Inheritance: X-linked recessive inheritance. Affected: yes. Observed: 1 hemizygote.
Comment: ACMG: PM2, PS2, and PP3